The following is an entry in ClinVar:

NM_007129.5(ZIC2):c.974G>A (p.Arg325His)

Gene: ZIC2 (Zic family member 2; plus strand). Cytogenetic location: 13q32.3.
Variant type: single nucleotide variant.
Coding change: c.974G>A on transcript NM_007129.5 (MANE Select); coding-DNA position 974, G replaced by A.
Protein change: p.Arg325His; replaces arginine 325 with histidine.
Molecular consequence: missense variant.
Genome position (GRCh38, 1-based): chr13:99,983,038, G>A. VCF-style: chr13-99983038-G-A. GRCh37 (hg19) VCF-style: chr13-100635292-G-A.
Other names: short protein forms R325H.
Identifiers: ClinVar variation 2630311 (VCV002630311.1), dbSNP rs2501545204, ClinGen allele CA388638516.

ClinVar aggregate classification (germline): Likely pathogenic (1 of 4 stars; one submission).

Conditions:
ZIC2-related disorder. Also called: ZIC2-related condition.

Submission:

PreventionGenetics, part of Exact Sciences
Classification: Likely pathogenic for ZIC2-related condition. Last evaluated: 2023-02-08. Review status: criteria provided, single submitter. Criteria: ACMG Guidelines, 2015. Collection method: clinical testing. Allele origin: germline.
Comment: The ZIC2 c.974G>A variant is predicted to result in the amino acid substitution p.Arg325His. To our knowledge, this variant has not been reported in the literature or in a large population database, indicating this variant is rare. Different substitutions impacting the same amino acid (p.Arg325Ser, p,Arg32Leu) have been reported in individuals with holoprosencephaly (Roessler et al. 2009. PubMed ID: 19177455). This variant is interpreted as likely pathogenic.